The following is an entry in ClinVar:

NM_002230.4(JUP):c.1082T>C (p.Leu361Pro)

Gene: JUP (junction plakoglobin; minus strand). Cytogenetic location: 17q21.2.
Variant type: single nucleotide variant.
Coding change: c.1082T>C on transcript NM_002230.4 (MANE Select); coding-DNA position 1082, T replaced by C.
Protein change: p.Leu361Pro; replaces leucine 361 with proline.
Molecular consequence: missense variant.
Genome position (GRCh38, 1-based): chr17:41,764,789, A>G on the plus strand (T>C on the coding strand, the complement: JUP is on the minus strand). VCF-style: chr17-41764789-A-G. GRCh37 (hg19) VCF-style: chr17-39921041-A-G.
Other names: c.1082T>C, p.Leu361Pro (NM_001352773.2, NM_001352774.2, NM_001352775.2 and 3 more transcripts); short protein forms L361P.
Identifiers: ClinVar variation 1431251 (VCV001431251.6), dbSNP rs2143593694, ClinGen allele CA399499015.
Genomic context (GRCh38, chr17:41,764,789, plus strand): 5'-TCTGAGAGGTTGCGCAGGGTCCACAGGCAGTTCTGCACCAGGCGGGGGCTGTTGCTGGTC[A>G]GGTGCTTGCCCAGGGCCTGCATCCCACCTGGGGCAGGGATAGGGGTGCCATCAGCCACGG-3'
Protein context (NP_002221.1, residues 351-371): AGGMQALGKH[Leu361Pro]TSNSPRLVQN

ClinVar aggregate classification (germline): Uncertain significance (1 of 4 stars; one submission).

Conditions:
Naxos disease (NXD). Also called: PALMOPLANTAR KERATODERMA WITH ARRHYTHMOGENIC RIGHT VENTRICULAR CARDIOMYOPATHY AND WOOLLY HAIR; WOOLLY HAIR, PALMOPLANTAR KERATODERMA, AND CARDIAC ABNORMALITIES; CARDIOMYOPATHY, ARRHYTHMOGENIC RIGHT VENTRICULAR, WITH SKIN, HAIR, AND NAIL ABNORMALITIES; KERATOSIS PALMOPLANTARIS WITH ARRHYTHMOGENIC CARDIOMYOPATHY; MAL DE NAXOS. Identifiers: Orphanet 34217, MedGen C1832600, MONDO:0011017, OMIM 601214.
Arrhythmogenic right ventricular dysplasia 12. Also called: ARRHYTHMOGENIC RIGHT VENTRICULAR DYSPLASIA, FAMILIAL, 12. Identifiers: MedGen C1969081, MONDO:0012684, OMIM 611528.

Submission:

Labcorp Genetics (formerly Invitae), Labcorp
Classification: Uncertain significance for Arrhythmogenic right ventricular dysplasia 12; Naxos disease. Last evaluated: 2025-12-01. Review status: criteria provided, single submitter. Criteria: Invitae Variant Classification Sherloc (09022015). Collection method: clinical testing. Allele origin: germline.
Comment: This sequence change replaces leucine, which is neutral and non-polar, with proline, which is neutral and non-polar, at codon 361 of the JUP protein (p.Leu361Pro). This variant is not present in population databases (gnomAD no frequency). This variant has not been reported in the literature in individuals affected with JUP-related conditions. ClinVar contains an entry for this variant (Variation ID: 1431251). An algorithm developed to predict the effect of missense changes on protein structure and function (PolyPhen-2) suggests that this variant is likely to be disruptive. In summary, the available evidence is currently insufficient to determine the role of this variant in disease. Therefore, it has been classified as a Variant of Uncertain Significance.